The following is an entry in ClinVar:

ClinVar aggregate classification (germline): Pathogenic. Review status: reviewed by expert panel (3 of 4 stars). 6 submissions from 6 submitters: Pathogenic (1). 5 of the submissions do not count toward it. Last evaluated 2024-05-10.

Conditions:
Maturity-onset diabetes of the young type 1. Also called: MODY, type I; MILD JUVENILE DIABETES MELLITUS; MODY type 1; Diabetes mellitus MODY type 1; MODY HNF4A related; HNF4A-Related Maturity-Onset Diabetes of the Young Type 1. Identifiers: Orphanet 552, MedGen C1852093, MONDO:0007452, OMIM 125850. Disease mechanism: loss of function.
Maturity-onset diabetes of the young (MODY). Also called: Maturity onset diabetes mellitus in young. Identifiers: Orphanet 552, MedGen C0342276, MONDO:0018911, HP:0004904.
Monogenic diabetes. Identifiers: Orphanet 183625, MedGen C3888631, MONDO:0015967.

Allele frequency attached by ClinVar (database versions not stated): gnomAD exomes below 0.00001.
gnomAD v4.1: 2 of 1,609,896 alleles (0.00012%); highest among the groups gnomAD compares: Non-Finnish European, 0.00017%; no homozygotes.

Submissions (6):

ClinGen Monogenic Diabetes Variant Curation Expert Panel
Classification: Pathogenic for Monogenic diabetes. Last evaluated: 2024-05-10. Review status: reviewed by expert panel. Criteria: ClinGen Diabetes ACMG Specifications HNF4A V2.0.0. Collection method: curation. Allele origin: germline. Inheritance: Autosomal dominant inheritance.
Comment: The c.692G>A variant in the hepatocyte nuclear factor 4 alpha gene, HNF4A, causes an amino acid change of arginine to glutamine at codon 231 (p.(Arg231Gln)) of NM_175914.5. This variant is predicted to be deleterious by computational evidence, with a REVEL score of 0.896, which is greater than the MDEP VCEP threshold of 0.70 (PP3). This variant is absent in gnomAD v2.1.1 (PM2_Supporting), and was identified in 10 unrelated individuals with non-autoimmune and non-absolute/near-absolute insulin-deficient diabetes (PS4; PMID:12413008, PMID:12627330, internal lab contributors). This variant segregated with diabetes, with at least four informative meioses in two families (PP1_Strong; PMID:12413008, internal lab contributor). One individual has a clinical history highly specific for HNF4A-monogenic diabetes (MODY probability calculator result >50%, negative genetic testing for HNF1A, negative autoantibodies, and response to low-dose sulfonylureas) (PP4_Moderate; internal lab contributor). In summary, c.692G>A meets the criteria to be classified as pathogenic for monogenic diabetes. ACMG/AMP criteria applied, as specified by the ClinGen MDEP (specification version 2.0.0, approved 10/11/2023): PP1_Strong, PS4, PP4_Moderate, PP3, PM2_Supporting.

GeneDx
Classification: Likely pathogenic. Last evaluated: 2025-11-24. Review status: criteria provided, single submitter. Criteria: GeneDx Variant Classification Process June 2021. Collection method: clinical testing. Allele origin: germline. Affected: yes. Not counted in ClinVar's aggregate classification.
Comment: Not observed at significant frequency in large population cohorts (gnomAD); In silico analysis supports that this missense variant has a deleterious effect on protein structure/function; In silico analysis suggests this variant may impact gene splicing. In the absence of RNA/functional studies, the actual effect of this sequence change is unknown.; Also known as p.(Arg244Gln); This variant is associated with the following publications: (PMID: 12627330, 23227446, 12413008, 32971154, 36257325, 33242514)

Women's Health and Genetics/Laboratory Corporation of America, LabCorp
Classification: Pathogenic for Maturity-onset diabetes of the young. Last evaluated: 2025-04-23. Review status: criteria provided, single submitter. Criteria: LabCorp Variant Classification Summary - May 2015. Collection method: clinical testing. Allele origin: germline. Not counted in ClinVar's aggregate classification.
Comment: Variant summary: HNF4A c.692G>A (p.Arg231Gln) results in a conservative amino acid change in the encoded protein sequence. Four of five in-silico tools predict a damaging effect of the variant on protein function. The variant was absent in 251250 control chromosomes. c.692G>A has been observed in multiple individuals affected with Maturity Onset Diabetes Of The Young 1/Neonatal Diabetes Mellitus (example: Vaxillaire_2021). These data indicate that the variant is very likely to be associated with disease. The following publication has been ascertained in the context of this evaluation (PMID: 33242514). ClinVar contains an entry for this variant (Variation ID: 447520). Based on the evidence outlined above, the variant was classified as pathogenic.

Labcorp Genetics (formerly Invitae), Labcorp
Classification: Pathogenic. Last evaluated: 2023-12-01. Review status: criteria provided, single submitter. Criteria: Invitae Variant Classification Sherloc (09022015). Collection method: clinical testing. Allele origin: germline. Not counted in ClinVar's aggregate classification.
Comment: This sequence change replaces arginine, which is basic and polar, with glutamine, which is neutral and polar, at codon 231 of the HNF4A protein (p.Arg231Gln). This variant is not present in population databases (gnomAD no frequency). This missense change has been observed in individuals with clinical features of maturity-onset diabetes of the young (PMID: 12413008, 12627330; Invitae). This variant is also known as p.Arg244Gln. ClinVar contains an entry for this variant (Variation ID: 447520). Advanced modeling of protein sequence and biophysical properties (such as structural, functional, and spatial information, amino acid conservation, physicochemical variation, residue mobility, and thermodynamic stability) has been performed at Invitae for this missense variant, however the output from this modeling did not meet the statistical confidence thresholds required to predict the impact of this variant on HNF4A protein function. Experimental studies have shown that this missense change affects HNF4A function (PMID: 12413008). This variant disrupts the p.Arg231 amino acid residue in HNF4A. Other variant(s) that disrupt this residue have been determined to be pathogenic (PMID: 32418360, 36257325; Invitae). This suggests that this residue is clinically significant, and that variants that disrupt this residue are likely to be disease-causing. For these reasons, this variant has been classified as Pathogenic.

Athena Diagnostics
Classification: Likely pathogenic. Last evaluated: 2016-10-20. Review status: criteria provided, single submitter. Criteria: Athena Diagnostics Criteria. Collection method: clinical testing. Allele origin: germline. Not counted in ClinVar's aggregate classification.

Clinical Genetics Service, Universitary Hospital 12 de Octubre
Classification: Likely pathogenic for Maturity-onset diabetes of the young type 1. Review status: criteria provided, single submitter. Criteria: ACMG Guidelines, 2015. Collection method: clinical testing. Allele origin: paternal. Affected: yes. Not counted in ClinVar's aggregate classification.

Literature cited by the submitters: PubMed 33242514 (cited by Women's Health and Genetics/Laboratory Corporation of America, LabCorp); PubMed 12413008 (cited by Labcorp Genetics (formerly Invitae), Labcorp and Athena Diagnostics); PubMed 12627330 (cited by Labcorp Genetics (formerly Invitae), Labcorp and Athena Diagnostics); PubMed 32418360 (cited by Labcorp Genetics (formerly Invitae), Labcorp); PubMed 36257325 (cited by Labcorp Genetics (formerly Invitae), Labcorp); PubMed 23227446 (cited by Athena Diagnostics).

NM_175914.5(HNF4A):c.692G>A (p.Arg231Gln)

Gene: HNF4A (hepatocyte nuclear factor 4 alpha; plus strand). Cytogenetic location: 20q13.12.
Variant type: single nucleotide variant.
Coding change: c.692G>A on transcript NM_175914.5 (MANE Select); coding-DNA position 692, G replaced by A.
Protein change: p.Arg231Gln; replaces arginine 231 with glutamine.
Molecular consequence: missense variant.
Genome position (GRCh38, 1-based): chr20:44,419,742, G>A. VCF-style: chr20-44419742-G-A. GRCh37 (hg19) VCF-style: chr20-43048382-G-A.
Other names: NM_175914.5(HNF4A):c.692G>A; p.Arg231Gln; c.758G>A, p.Arg253Gln (NM_000457.6, NM_178849.3, NM_178850.3); c.692G>A, p.Arg231Gln (NM_001030003.3, NM_001030004.3); c.737G>A, p.Arg246Gln (NM_001258355.2); c.683G>A, p.Arg228Gln (NM_001287182.2, NM_001287183.2, NM_001287184.2); c.758G>A (NM_000457.5); short protein forms R228Q, R231Q, R253Q, R246Q.
Identifiers: ClinVar variation 447520 (VCV000447520.13), dbSNP rs1555816615, ClinGen allele CA409107360.